The following is an entry in ClinVar:

ClinVar aggregate classification (germline): Uncertain significance (1 of 4 stars; one submission).

Conditions:
Hereditary cancer-predisposing syndrome. Also called: Hereditary Cancer Syndrome; Hereditary neoplastic syndrome; Neoplastic Syndromes, Hereditary; Tumor predisposition. Identifiers: Orphanet 140162, MedGen C0027672, MeSH D009386, MONDO:0015356.

Submission:

Ambry Genetics
Classification: Uncertain significance for Hereditary cancer-predisposing syndrome. Last evaluated: 2025-04-29. Review status: criteria provided, single submitter. Criteria: Ambry Variant Classification Scheme 2023. Collection method: clinical testing. Allele origin: germline.
Comment: The p.N1307T variant (also known as c.3920A>C), located in coding exon 9 of the MSH6 gene, results from an A to C substitution at nucleotide position 3920. The asparagine at codon 1307 is replaced by threonine, an amino acid with similar properties. This amino acid position is conserved. In addition, the in silico prediction for this alteration is inconclusive. Based on the available evidence, the clinical significance of this variant remains unclear.

NM_000179.3(MSH6):c.3920A>C (p.Asn1307Thr)

Gene: MSH6 (mutS homolog 6; plus strand). Cytogenetic location: 2p16.3.
Variant type: single nucleotide variant.
Coding change: c.3920A>C on transcript NM_000179.3 (MANE Select); coding-DNA position 3920, A replaced by C.
Protein change: p.Asn1307Thr; replaces asparagine 1307 with threonine.
Molecular consequence: missense variant. On other transcripts: non-coding transcript variant (5), intron variant (1).
Genome position (GRCh38, 1-based): chr2:47,806,570, A>C. VCF-style: chr2-47806570-A-C. GRCh37 (hg19) VCF-style: chr2-48033709-A-C.
Other names: c.3530A>C, p.Asn1177Thr (NM_001281492.2); c.3014A>C, p.Asn1005Thr (NM_001281493.2, NM_001281494.2, NM_001406811.1 and 6 more transcripts); c.4016A>C, p.Asn1339Thr (NM_001406795.1); c.3920A>C, p.Asn1307Thr (NM_001406796.1, NM_001406808.1, NM_001406809.1); c.3623A>C, p.Asn1208Thr (NM_001406797.1, NM_001406801.1, NM_001406805.1 and 10 more transcripts); c.3746A>C, p.Asn1249Thr (NM_001406798.1); c.3395A>C, p.Asn1132Thr (NM_001406799.1, NM_001406806.1, NM_001406807.1); c.3907A>C, p.Ile1303Leu (NM_001406800.1); and 9 more; short protein forms N1281T, N1307T, N1309T, N1132T, N1177T, N1208T, N234T, N622T.
Identifiers: ClinVar variation 3913772 (VCV003913772.1).